The following is an entry in ClinVar:

NM_013352.4(DSE):c.1273C>T (p.Arg425Cys)

Gene: DSE (dermatan sulfate epimerase; plus strand). Cytogenetic location: 6q22.1.
Variant type: single nucleotide variant.
Coding change: c.1273C>T on transcript NM_013352.4 (MANE Select); coding-DNA position 1273, C replaced by T.
Protein change: p.Arg425Cys; replaces arginine 425 with cysteine.
Molecular consequence: missense variant. On other transcripts: 3 prime UTR variant (2), non-coding transcript variant (1).
Genome position (GRCh38, 1-based): chr6:116,435,741, C>T. VCF-style: chr6-116435741-C-T. GRCh37 (hg19) VCF-style: chr6-116756904-C-T.
Other names: c.1273C>T, p.Arg425Cys (NM_001080976.3, NM_001322937.2, NM_001322938.2); c.1330C>T, p.Arg444Cys (NM_001322939.2); c.712C>T, p.Arg238Cys (NM_001322940.2, NM_001322941.2); c.*138C>T (NM_001322943.2, NM_001322944.2); c.274C>T, p.Arg92Cys (NM_001374520.1); c.238C>T, p.Arg80Cys (NM_001374521.1); short protein forms R238C, R444C, R425C, R92C, R80C.
Identifiers: ClinVar variation 1514885 (VCV001514885.6), dbSNP rs746187739, ClinGen allele CA3969652.
Genomic context (GRCh38, chr6:116,435,741, plus strand): 5'-GCACTACCTGCAGAAATCAATAGATCTTTCCTTTCCTTCAAGTCTGGAAAACTGGGGGGA[C>T]GTGCAATATATGACATTGTCCACAGAAACAAATACAAAGATTGGATCAAAGGATGGAGAA-3'
Protein context (NP_037484.1, residues 415-435): LSFKSGKLGG[Arg425Cys]AIYDIVHRNK

ClinVar aggregate classification (germline): Uncertain significance (1 of 4 stars; one submission).

Conditions:
Ehlers-Danlos syndrome, musculocontractural type 2 (EDSMC2). Identifiers: Orphanet 2953, MedGen C3809845, MONDO:0014236, OMIM 615539.

Allele frequency attached by ClinVar (database versions not stated): ExAC 0.00001; gnomAD 0.00001; gnomAD exomes 0.00001.
gnomAD v4.1: 19 of 1,613,836 alleles (0.0012%); highest among the groups gnomAD compares: African/African-American, 0.0027%; no homozygotes.

Submission:

Labcorp Genetics (formerly Invitae), Labcorp
Classification: Uncertain significance for Ehlers-Danlos syndrome, musculocontractural type 2. Last evaluated: 2021-10-17. Review status: criteria provided, single submitter. Criteria: Invitae Variant Classification Sherloc (09022015). Collection method: clinical testing. Allele origin: germline.
Comment: Algorithms developed to predict the effect of missense changes on protein structure and function are either unavailable or do not agree on the potential impact of this missense change (SIFT: "Not Available"; PolyPhen-2: "Probably Damaging"; Align-GVGD: "Not Available"). In summary, the available evidence is currently insufficient to determine the role of this variant in disease. Therefore, it has been classified as a Variant of Uncertain Significance. This variant has not been reported in the literature in individuals affected with DSE-related conditions. This sequence change replaces arginine with cysteine at codon 425 of the DSE protein (p.Arg425Cys). The arginine residue is highly conserved and there is a large physicochemical difference between arginine and cysteine. The frequency data for this variant in the population databases is considered unreliable, as metrics indicate poor data quality at this position in the ExAC database.